The following is an entry in ClinVar:

NM_003000.3(SDHB):c.634C>G (p.Leu212Val)

Gene: SDHB (succinate dehydrogenase complex iron sulfur subunit B; minus strand). Cytogenetic location: 1p36.13.
Variant type: single nucleotide variant.
Coding change: c.634C>G on transcript NM_003000.3 (MANE Select); coding-DNA position 634, C replaced by G.
Protein change: p.Leu212Val; replaces leucine 212 with valine.
Molecular consequence: missense variant.
Genome position (GRCh38, 1-based): chr1:17,023,981, G>C on the plus strand (C>G on the coding strand, the complement: SDHB is on the minus strand). VCF-style: chr1-17023981-G-C. GRCh37 (hg19) VCF-style: chr1-17350476-G-C.
Other names: short protein forms L212V.
Identifiers: ClinVar variation 937234 (VCV000937234.10), dbSNP rs1228560456, ClinGen allele CA338270938.
Genomic context (GRCh38, chr1:17,023,981, plus strand): 5'-TTCTGGATGCTTGAGTTTCAATTTCTCTTAAAGCAATTAAGGAGCACCTCACCTGCATAA[G>C]AACTGCAGGCCCCAGATATTTGTCTCCGTTCCACCAGTAGCTGGGGCAGCTGGTGCTACA-3'
Protein context (NP_002991.2, residues 202-222): NGDKYLGPAV[Leu212Val]MQAYRWMIDS

ClinVar aggregate classification (germline): Conflicting classifications of pathogenicity. Review status: criteria provided, conflicting classifications (1 of 4 stars). 2 submissions from 2 submitters: Likely pathogenic (1); Uncertain significance (1). Last evaluated 2025-05-23.

Conditions:
Hereditary cancer-predisposing syndrome. Also called: Hereditary neoplastic syndrome; Neoplastic Syndromes, Hereditary; Hereditary Cancer Syndrome; Tumor predisposition. Identifiers: Orphanet 140162, MedGen C0027672, MeSH D009386, MONDO:0015356.
Gastrointestinal stromal tumor. Also called: Gastrointestinal stromal tumor, somatic; Gastrointestinal stroma tumor. Identifiers: Orphanet 44890, MedGen C0238198, MeSH D046152, MONDO:0011719, OMIM 606764, HP:0100723.
Pheochromocytoma/paraganglioma syndrome 4. Also called: CAROTID BODY TUMORS AND MULTIPLE EXTRAADRENAL PHEOCHROMOCYTOMAS; SDHB-Related Hereditary Paraganglioma-Pheochromocytoma Syndrome; Paragangliomas 4; SDHB-Related Hereditary Paraganglioma-Pheochromocytoma Syndrome (Paragangliomas 4); PARAGANGLIOMA, FAMILIAL MALIGNANT; PARAGANGLIOMAS, HEREDITARY EXTRAADRENAL. Identifiers: Orphanet 29072, MedGen C1861848, MONDO:0007273, OMIM 115310.
Pheochromocytoma. Also called: MAX-Related Hereditary Paraganglioma-Pheochromocytoma Syndrome. Identifiers: Orphanet 29072, MedGen C0031511, MONDO:0008233, OMIM 171300, HP:0002666.

Allele frequency attached by ClinVar (database versions not stated): TOPMed below 0.00001.

Submissions (2):

Ambry Genetics
Classification: Likely pathogenic for Hereditary cancer-predisposing syndrome. Last evaluated: 2025-05-23. Review status: criteria provided, single submitter. Criteria: Ambry Variant Classification Scheme 2023. Collection method: clinical testing. Allele origin: germline.
Comment: The p.L212V variant (also known as c.634C>G), located in coding exon 6 of the SDHB gene, results from a C to G substitution at nucleotide position 634. The leucine at codon 212 is replaced by valine, an amino acid with highly similar properties. This amino acid position is highly conserved in available vertebrate species. In addition, this alteration is predicted to be deleterious by in silico analysis. Based on internal structural analysis, this variant is anticipated to result in a decrease in structural stability (Inaoka DK et al. Int J Mol Sci, 2015 Jul;16:15287-308). This variant is considered to be rare based on population cohorts in the Genome Aggregation Database (gnomAD). Based on the majority of available evidence to date, this variant is likely to be pathogenic.

Labcorp Genetics (formerly Invitae), Labcorp
Classification: Uncertain significance for Gastrointestinal stromal tumor; Pheochromocytoma/paraganglioma syndrome 4; Pheochromocytoma. Last evaluated: 2024-01-30. Review status: criteria provided, single submitter. Criteria: Invitae Variant Classification Sherloc (09022015). Collection method: clinical testing. Allele origin: germline.
Comment: This sequence change replaces leucine, which is neutral and non-polar, with valine, which is neutral and non-polar, at codon 212 of the SDHB protein (p.Leu212Val). This variant is not present in population databases (gnomAD no frequency). This variant has not been reported in the literature in individuals affected with SDHB-related conditions. ClinVar contains an entry for this variant (Variation ID: 937234). Advanced modeling of protein sequence and biophysical properties (such as structural, functional, and spatial information, amino acid conservation, physicochemical variation, residue mobility, and thermodynamic stability) performed at Invitae indicates that this missense variant is expected to disrupt SDHB protein function with a positive predictive value of 80%. In summary, the available evidence is currently insufficient to determine the role of this variant in disease. Therefore, it has been classified as a Variant of Uncertain Significance.

Literature cited by the submitters: PubMed 26198225 (cited by Ambry Genetics).